The following is an entry in ClinVar:

NM_006031.6(PCNT):c.403G>A (p.Val135Ile)

Gene: PCNT (pericentrin; plus strand). Cytogenetic location: 21q22.3.
Variant type: single nucleotide variant.
Coding change: c.403G>A on transcript NM_006031.6 (MANE Select); coding-DNA position 403, G replaced by A.
Protein change: p.Val135Ile; replaces valine 135 with isoleucine.
Molecular consequence: missense variant.
Genome position (GRCh38, 1-based): chr21:46,334,532, G>A. VCF-style: chr21-46334532-G-A. GRCh37 (hg19) VCF-style: chr21-47754446-G-A.
Other names: c.49G>A, p.Val17Ile (NM_001315529.2); short protein forms V17I, V135I.
Identifiers: ClinVar variation 2053227 (VCV002053227.4), dbSNP rs1429748468, ClinGen allele CA410559937.

ClinVar aggregate classification (germline): Uncertain significance (1 of 4 stars; one submission).

Allele frequency attached by ClinVar (database versions not stated): gnomAD exomes below 0.00001.

Submission:

Labcorp Genetics (formerly Invitae), Labcorp
Classification: Uncertain significance. Last evaluated: 2021-12-22. Review status: criteria provided, single submitter. Criteria: Invitae Variant Classification Sherloc (09022015). Collection method: clinical testing. Allele origin: germline.
Comment: In summary, the available evidence is currently insufficient to determine the role of this variant in disease. Therefore, it has been classified as a Variant of Uncertain Significance. Algorithms developed to predict the effect of missense changes on protein structure and function (SIFT, PolyPhen-2, Align-GVGD) all suggest that this variant is likely to be tolerated. This sequence change replaces valine, which is neutral and non-polar, with isoleucine, which is neutral and non-polar, at codon 135 of the PCNT protein (p.Val135Ile). This variant is present in population databases (no rsID available, gnomAD 0.007%). This variant has not been reported in the literature in individuals affected with PCNT-related conditions.